The following is an entry in ClinVar:

ClinVar aggregate classification (germline): Conflicting classifications of pathogenicity. Review status: criteria provided, conflicting classifications (1 of 4 stars). 3 submissions from 3 submitters: Likely pathogenic (2); Uncertain significance (1). Last evaluated 2023-09-26.

Conditions:
Hereditary factor X deficiency disease. Also called: Congenital factor X deficiency; STUART-PROWER FACTOR DEFICIENCY. Identifiers: Orphanet 328, MedGen C0272327, MONDO:0009212, OMIM 227600.

Allele frequency attached by ClinVar (database versions not stated): gnomAD 0.00001; TOPMed 0.00001; gnomAD exomes 0.00002; ExAC 0.00004; ESP Exome Variant Server 0.00008.
gnomAD v4.1: 36 of 1,614,006 alleles (0.0022%); highest among the groups gnomAD compares: African/African-American, 0.004%; no homozygotes.

Submissions (3):

GeneDx
Classification: Uncertain significance. Last evaluated: 2023-09-26. Review status: criteria provided, single submitter. Criteria: GeneDx Variant Classification Process June 2021. Collection method: clinical testing. Allele origin: germline. Affected: yes.
Comment: Reported as p.Gly94Arg in the apparent homozygous state in siblings with severe Factor X deficiency, however both siblings were also apparently homozygous for a second variant in the F10 gene as well (PMID: 12028042); Identified in the heterozygous state in an individual with a known or suspected inherited bleeding, thrombotic, or platelet disorder, however patient specific clinical information was not provided (PMID: 31064749); In silico analysis supports that this missense variant has a deleterious effect on protein structure/function; This variant is associated with the following publications: (PMID: 34426522, 31064749, 31699787, 35231989, 12028042)

3billion
Classification: Likely pathogenic for Hereditary factor X deficiency disease. Last evaluated: 2022-03-22. Review status: criteria provided, single submitter. Criteria: ACMG Guidelines, 2015. Collection method: clinical testing. Allele origin: germline. Affected: yes. Observed: 1 homozygote.
Comment: Same or different nucleotide change resulting in same amino acid change has been previously reported as pathogenic/likely pathogenic (ClinVar ID: VCV000627060, PMID:12028042). In silico tool predictions suggest damaging effect of the variant on gene or gene product(REVEL: 0.94>=0.6). A missense variant is a common mechanism. The variant is observed at an extremely low frequency in the gnomAD v2.1.1 dataset (total allele frequency: 0.0000278). Therefore, this variant is classified as likely pathogenic according to the recommendation of ACMG/AMP guideline.

NIHR Bioresource Rare Diseases, University of Cambridge
Classification: Likely pathogenic for Hereditary factor X deficiency disease. Last evaluated: 2019-02-01. Review status: criteria provided, single submitter. Criteria: ACMG Guidelines, 2015. Collection method: research. Allele origin: unknown. Affected: yes. Observed: 1 heterozygote. Study: ThromboGenomics.

Literature cited by the submitters: PubMed 12028042 (cited by 3billion); PubMed 31064749 (cited by NIHR Bioresource Rare Diseases, University of Cambridge).

NM_000504.4(F10):c.400G>A (p.Gly134Arg)

Gene: F10 (coagulation factor X; plus strand). Cytogenetic location: 13q34.
Variant type: single nucleotide variant.
Coding change: c.400G>A on transcript NM_000504.4 (MANE Select); coding-DNA position 400, G replaced by A.
Protein change: p.Gly134Arg; replaces glycine 134 with arginine.
Molecular consequence: missense variant. On other transcripts: intron variant (1).
Genome position (GRCh38, 1-based): chr13:113,140,948, G>A. VCF-style: chr13-113140948-G-A. GRCh37 (hg19) VCF-style: chr13-113795262-G-A.
Other names: c.400G>A (LRG_548t1); c.400G>A, p.Gly134Arg (NM_001312675.2); c.370+1478G>A (NM_001312674.2); short protein forms G134R.
Identifiers: ClinVar variation 627060 (VCV000627060.4), dbSNP rs368225671, ClinGen allele CA7060472.